The following is an entry in ClinVar:

ClinVar aggregate classification (germline): Uncertain significance. Review status: criteria provided, multiple submitters, no conflicts (2 of 4 stars). 2 submissions from 2 submitters: Uncertain significance (2). Last evaluated 2025-03-26.

Conditions:
Hereditary cancer-predisposing syndrome. Also called: Neoplastic Syndromes, Hereditary; Tumor predisposition; Hereditary neoplastic syndrome; Hereditary Cancer Syndrome. Identifiers: Orphanet 140162, MedGen C0027672, MeSH D009386, MONDO:0015356.

Submissions (2):

Ambry Genetics
Classification: Uncertain significance for Hereditary cancer-predisposing syndrome. Last evaluated: 2025-03-26. Review status: criteria provided, single submitter. Criteria: Ambry Variant Classification Scheme 2023. Collection method: clinical testing. Allele origin: germline.
Comment: The c.378+5G>C intronic variant results from a G to C substitution 5 nucleotides after coding exon 2 in the NTHL1 gene. This nucleotide position is well conserved in available vertebrate species. In silico splice site analysis for this alteration is inconclusive. Based on the available evidence, the clinical significance of this variant remains unclear.

Labcorp Genetics (formerly Invitae), Labcorp
Classification: Uncertain significance. Last evaluated: 2022-01-27. Review status: criteria provided, single submitter. Criteria: Invitae Variant Classification Sherloc (09022015). Collection method: clinical testing. Allele origin: germline.
Comment: In summary, the available evidence is currently insufficient to determine the role of this variant in disease. Therefore, it has been classified as a Variant of Uncertain Significance. Variants that disrupt the consensus splice site are a relatively common cause of aberrant splicing (PMID: 17576681, 9536098). RNA analysis performed to evaluate the impact of this variant on mRNA splicing indicates it does not significantly alter splicing (Invitae). This variant has not been reported in the literature in individuals affected with NTHL1-related conditions. This variant is not present in population databases (gnomAD no frequency). This sequence change falls in intron 2 of the NTHL1 gene. It does not directly change the encoded amino acid sequence of the NTHL1 protein. It affects a nucleotide within the consensus splice site.

Literature cited by the submitters: PubMed 17576681 (cited by Labcorp Genetics (formerly Invitae), Labcorp); PubMed 9536098 (cited by Labcorp Genetics (formerly Invitae), Labcorp).

NM_002528.7(NTHL1):c.354+5G>C

Gene: NTHL1 (nth like DNA glycosylase 1; minus strand). Cytogenetic location: 16p13.3.
Variant type: single nucleotide variant.
Coding change: c.354+5G>C on transcript NM_002528.7 (MANE Select); 5 bases into the intron after coding-DNA position 354, G replaced by C.
Molecular consequence: intron variant.
Genome position (GRCh38, 1-based): chr16:2,046,123, C>G on the plus strand (G>C on the coding strand, the complement: NTHL1 is on the minus strand). VCF-style: chr16-2046123-C-G. GRCh37 (hg19) VCF-style: chr16-2096124-C-G.
Other names: c.378+5G>C (NM_002528.5); c.24+157G>C (NM_001318194.2); c.354+5G>C (NM_001318193.2).
Identifiers: ClinVar variation 2144757 (VCV002144757.5), dbSNP rs2084360650, ClinGen allele CA2580090623.
Genomic context (GRCh38, chr16:2,046,123, plus strand): 5'-GTAGAAAGAAAACAAGGACCTTGCTAAGATGGGGGGTCATCTGGGCAGATGGGGCCCCTG[C>G]CTACCTTTGGGGGGGCACTGGAGTCATAGCAGTGCTCAGTCCCCAGATGGTCCACAGGTG-3'